The following is an entry in ClinVar:

ClinVar aggregate classification (germline): Uncertain significance (1 of 4 stars; one submission).

Submission:

GeneDx
Classification: Uncertain significance. Last evaluated: 2025-07-30. Review status: criteria provided, single submitter. Criteria: GeneDx Variant Classification Process June 2021. Collection method: clinical testing. Allele origin: germline. Affected: yes.
Comment: Not observed at significant frequency in large population cohorts (gnomAD); In silico analysis supports a deleterious effect on protein structure/function; Has not been previously published as pathogenic or benign to our knowledge

NM_001282534.2(KCNK9):c.169_170delinsCT (p.Glu57Leu)

Gene: KCNK9 (potassium two pore domain channel subfamily K member 9; minus strand). Cytogenetic location: 8q24.3.
Variant type: Indel.
Coding change: c.169_170delinsCT on transcript NM_001282534.2 (MANE Select); coding-DNA positions 169 to 170, GA replaced by CT.
Protein change: p.Glu57Leu; replaces glutamic acid 57 with leucine.
Molecular consequence: missense variant. On other transcripts: non-coding transcript variant (1).
Genome position (GRCh38, 1-based): chr8:139,702,823-139,702,824, TC replaced by AG on the plus strand (GA replaced by CT on the coding strand, the reverse complement: KCNK9 is on the minus strand). VCF-style: chr8-139702823-TC-AG. GRCh37 (hg19) VCF-style: chr8-140715066-TC-AG.
Other names: short protein forms E57L.
Identifiers: ClinVar variation 4690145 (VCV004690145.1).